The following is an entry in ClinVar:

NM_198241.3(EIF4G1):c.4386C>T (p.Asp1462=)

Gene: EIF4G1 (eukaryotic translation initiation factor 4 gamma 1; plus strand). Cytogenetic location: 3q27.1.
Variant type: single nucleotide variant.
Coding change: c.4386C>T on transcript NM_198241.3 (MANE Select); coding-DNA position 4386, C replaced by T.
Protein change: p.Asp1462=; no amino-acid change (aspartic acid 1462 retained).
Molecular consequence: synonymous variant.
Genome position (GRCh38, 1-based): chr3:184,331,597, C>T. VCF-style: chr3-184331597-C-T. GRCh37 (hg19) VCF-style: chr3-184049385-C-T.
Other names: p.Asp1462=; c.4407C>T, p.Asp1469= (NM_001194946.2, NM_001194947.2); c.4266C>T, p.Asp1422= (NM_001291157.2); c.3801C>T, p.Asp1267= (NM_004953.5); c.4389C>T, p.Asp1463= (NM_182917.4); c.3894C>T, p.Asp1298= (NM_198242.3); c.4125C>T, p.Asp1375= (NM_198244.3); c.4386C>T (NM_198241.2).
Identifiers: ClinVar variation 1209880 (VCV001209880.6), dbSNP rs112718796, ClinGen allele CA2733108.

ClinVar aggregate classification (germline): Benign/Likely benign. Review status: criteria provided, multiple submitters, no conflicts (2 of 4 stars). 5 submissions from 5 submitters: Benign (1); Likely benign (1). 3 of the submissions do not count toward it. Last evaluated 2023-03-16.

Conditions:
EIF4G1-related disorder. Also called: EIF4G1-related condition.

Allele frequency attached by ClinVar (database versions not stated): 1000 Genomes Project 30x 0.00437; ExAC 0.01254; ESP Exome Variant Server 0.01599; 1000 Genomes Project 0.00479; TOPMed 0.01061; gnomAD exomes 0.01221 and 0.01974; gnomAD 0.01463 and 0.01477.
gnomAD v4.1: 28,904 of 1,510,568 alleles (1.9%); highest among the groups gnomAD compares: Non-Finnish European, 2.3%; 323 homozygotes.

Submissions (5):

Mayo Clinic Laboratories, Mayo Clinic
Classification: Benign. Last evaluated: 2023-03-16. Review status: criteria provided, single submitter. Criteria: ACMG Guidelines, 2015. Collection method: clinical testing. Allele origin: germline. Observed: 15 variant alleles.
Comment: BS1, BS2, BP4, BP7

Breakthrough Genomics
Classification: Likely benign. Review status: criteria provided, single submitter. Criteria: ACMG Guidelines, 2015. Collection method: not provided. Allele origin: germline. Inheritance: Autosomal dominant inheritance. Affected: yes.

PreventionGenetics, part of Exact Sciences
Classification: Benign for EIF4G1-related condition. Last evaluated: 2019-04-15. Review status: no assertion criteria provided. Collection method: clinical testing. Allele origin: germline. Not counted in ClinVar's aggregate classification.
Comment: This variant is classified as benign based on ACMG/AMP sequence variant interpretation guidelines (Richards et al. 2015 PMID: 25741868, with internal and published modifications).

Clinical Genetics DNA and cytogenetics Diagnostics Lab, Erasmus MC, Erasmus Medical Center
Classification: Likely benign. Review status: no assertion criteria provided. Collection method: clinical testing. Allele origin: germline. Affected: yes. Study: VKGL Data-share Consensus. Not counted in ClinVar's aggregate classification.

Genome Diagnostics Laboratory, Amsterdam University Medical Center
Classification: Benign. Review status: no assertion criteria provided. Collection method: clinical testing. Allele origin: germline. Affected: yes. Study: VKGL Data-share Consensus. Not counted in ClinVar's aggregate classification.

Literature cited by the submitters: PubMed 22658323 (cited by Mayo Clinic Laboratories, Mayo Clinic).